The following is an entry in ClinVar:

NM_000218.3(KCNQ1):c.1181T>C (p.Ile394Thr)

Gene: KCNQ1 (potassium voltage-gated channel subfamily Q member 1; plus strand). Cytogenetic location: 11p15.5.
Variant type: single nucleotide variant.
Coding change: c.1181T>C on transcript NM_000218.3 (MANE Select); coding-DNA position 1181, T replaced by C.
Protein change: p.Ile394Thr; replaces isoleucine 394 with threonine.
Molecular consequence: missense variant.
Genome position (GRCh38, 1-based): chr11:2,587,622, T>C. VCF-style: chr11-2587622-T-C. GRCh37 (hg19) VCF-style: chr11-2608852-T-C.
Other names: c.1085T>C, p.Ile362Thr (NM_001406836.1); c.911T>C, p.Ile304Thr (NM_001406837.1); c.641T>C, p.Ile214Thr (NM_001406838.1); c.800T>C, p.Ile267Thr (NM_181798.2); short protein forms I267T, I394T, I304T, I362T, I214T.
Identifiers: ClinVar variation 923338 (VCV000923338.6), dbSNP rs1437113154, ClinGen allele CA379134743.

ClinVar aggregate classification (germline): Uncertain significance (1 of 4 stars; one submission).

Conditions:
Cardiac arrhythmia. Also called: Cardiac rhythm disease; Arrhythmia. Identifiers: MedGen C0003811, MONDO:0007263, HP:0011675.

Allele frequency attached by ClinVar (database versions not stated): TOPMed below 0.00001.

Submission:

Color Diagnostics, LLC DBA Color Health
Classification: Uncertain significance for Cardiac arrhythmia. Last evaluated: 2019-12-02. Review status: criteria provided, single submitter. Criteria: ACMG Guidelines, 2015. Collection method: clinical testing. Allele origin: germline.
Comment: This missense variant replaces isoleucine with threonine at codon 394 of the KCNQ1 protein. Computational prediction tool suggests that this variant may have deleterious impact on protein structure and function (internally defined REVEL score threshold ≥0.7, PMID: 27666373). Splice site prediction tools suggest that this variant may not impact RNA splicing. To our knowledge, functional studies have not been performed for this variant. This variant has not been reported in individuals affected with cardiovascular disorders in the literature. This variant has not been identified in the general population by the Genome Aggregation Database (gnomAD). The available evidence is insufficient to determine the role of this variant in disease conclusively. Therefore, this variant is classified as a Variant of Uncertain Significance.